The following is an entry in ClinVar:

ClinVar aggregate classification (germline): Uncertain significance. Review status: criteria provided, multiple submitters, no conflicts (2 of 4 stars). 2 submissions from 2 submitters: Uncertain significance (2). Last evaluated 2025-05-30.

Conditions:
Inborn genetic diseases. Identifiers: MedGen C0950123, MeSH D030342.

Allele frequency attached by ClinVar (database versions not stated): gnomAD exomes 0.00001; gnomAD 0.00010; TOPMed 0.00020.
gnomAD v4.1: 29 of 1,319,766 alleles (0.0022%); highest among the groups gnomAD compares: Admixed American, 0.049%; no homozygotes.

Submissions (2):

GeneDx
Classification: Uncertain significance. Last evaluated: 2025-05-30. Review status: criteria provided, single submitter. Criteria: GeneDx Variant Classification Process June 2021. Collection method: clinical testing. Allele origin: germline. Affected: yes.
Comment: Not observed at significant frequency in large population cohorts (gnomAD); In silico analysis suggests that this missense variant does not alter protein structure/function; Has not been previously published as pathogenic or benign to our knowledge

Ambry Genetics
Classification: Uncertain significance for Inborn genetic diseases. Last evaluated: 2024-08-19. Review status: criteria provided, single submitter. Criteria: Ambry Variant Classification Scheme 2023. Collection method: clinical testing. Allele origin: germline.

NM_005883.3(APC2):c.3985G>A (p.Gly1329Ser)

Gene: APC2 (APC regulator of WNT signaling pathway 2; plus strand). Cytogenetic location: 19p13.3.
Variant type: single nucleotide variant.
Coding change: c.3985G>A on transcript NM_005883.3 (MANE Select); coding-DNA position 3985, G replaced by A.
Protein change: p.Gly1329Ser; replaces glycine 1329 with serine.
Molecular consequence: missense variant.
Genome position (GRCh38, 1-based): chr19:1,467,286, G>A. VCF-style: chr19-1467286-G-A. GRCh37 (hg19) VCF-style: chr19-1467285-G-A.
Other names: c.3982G>A, p.Gly1328Ser (NM_001351273.1); short protein forms G1328S, G1329S.
Identifiers: ClinVar variation 2286625 (VCV002286625.5), dbSNP rs888567293, ClinGen allele CA403033843.